The following is an entry in ClinVar:

ClinVar aggregate classification (germline): Pathogenic (1 of 4 stars; one submission).

Conditions:
Hereditary cancer-predisposing syndrome. Also called: Neoplastic Syndromes, Hereditary; Tumor predisposition; Hereditary Cancer Syndrome; Hereditary neoplastic syndrome. Identifiers: Orphanet 140162, MedGen C0027672, MeSH D009386, MONDO:0015356.

Submissions (2):

Ambry Genetics
Classification: Pathogenic for Hereditary cancer-predisposing syndrome. Last evaluated: 2019-04-27. Review status: criteria provided, single submitter. Criteria: Ambry Variant Classification Scheme 2023. Collection method: clinical testing. Allele origin: germline.
Comment: The p.E111* pathogenic mutation (also known as c.331G>T), located in coding exon 5 of the BRCA1 gene, results from a G to T substitution at nucleotide position 331. This changes the amino acid from a glutamic acid to a stop codon within coding exon 5. In one study, this mutation was found to be of somatic origin in 1/429 ovarian carcinomas that underwent germline and somatic testing (Kanchi KL et al. Nat Commun, 2014;5:3156). In addition to the clinical data presented in the literature, this alteration is expected to result in loss of function by premature protein truncation or nonsense-mediated mRNA decay. As such, this alteration is interpreted as a disease-causing mutation.

Dr. Peter K. Rogan Lab, Western University
No classification provided (evidence only). Condition: Ovarian serous cystadenocarcinoma. Review status: no classification provided. Collection method: in vitro. Allele origin: not applicable. Functional consequence: retained intron. Not counted in ClinVar's aggregate classification.

Literature cited by the submitters: PubMed 24448499 (cited by Ambry Genetics).

NM_007294.4(BRCA1):c.331G>T (p.Glu111Ter)

Gene: BRCA1 (BRCA1 DNA repair associated; minus strand). Cytogenetic location: 17q21.31.
Variant type: single nucleotide variant.
Coding change: c.331G>T on transcript NM_007294.4 (MANE Select); coding-DNA position 331, G replaced by T.
Protein change: p.Glu111Ter; replaces glutamic acid 111 with a stop codon.
Molecular consequence: nonsense. On other transcripts: non-coding transcript variant (1).
Genome position (GRCh38, 1-based): chr17:43,104,232, C>A on the plus strand (G>T on the coding strand, the complement: BRCA1 is on the minus strand). VCF-style: chr17-43104232-C-A. GRCh37 (hg19) VCF-style: chr17-41256249-C-A.
Other names: NC_000017.10:g.41256249C>A; c.190G>T, p.Glu64Ter (NM_001407749.1, NM_001407750.1, NM_001407751.1 and 99 more transcripts); c.121G>T, p.Glu41Ter (NM_001407571.1, NM_001407853.1, NM_001407879.1 and 58 more transcripts); c.331G>T, p.Glu111Ter (NM_001407581.1, NM_001407582.1, NM_001407583.1 and 165 more transcripts); c.253G>T, p.Glu85Ter (NM_001407862.1, NM_001407874.1, NM_001407875.1 and 21 more transcripts); c.322G>T, p.Glu108Ter (NM_001407646.1, NM_001407647.1, NM_001408408.1); c.-51G>T (NM_001407959.1, NM_001407960.1, NM_001407962.1 and 4 more transcripts); c.199G>T, p.Glu67Ter (NM_001408451.1); short protein forms E67*, E85*, E64*, E108*, E41*, E111*.
Identifiers: ClinVar variation 1730189 (VCV001730189.3), dbSNP rs1414264431, ClinGen allele CA10601483.
Genomic context (GRCh38, chr17:43,104,232, plus strand): 5'-TGTAGCCCATACTTTGGATGATAGAAACTTCATCTTTTAGATGTTCAGGAGAGTTATTTT[C>A]CTTTTTTGCAAAATTATAGCTGTTTGCATCTGTAAAATACAAGGGAAAACATTATGTTTG-3'